The following is an entry in ClinVar:

NM_001042492.3(NF1):c.77del (p.Gly26fs)

Gene: NF1 (neurofibromin 1; plus strand). Cytogenetic location: 17q11.2.
Variant type: Deletion.
Coding change: c.77del on transcript NM_001042492.3 (MANE Select); coding-DNA position 77, one base deleted (G; older notation c.77delG).
Protein change: p.Gly26fs; shifts the reading frame from glycine 26.
Molecular consequence: frameshift variant.
Genome position (GRCh38, 1-based): chr17:31,155,999, G deleted; the last of 2 consecutive G bases (chr17:31,155,998-31,155,999); deleting either gives the same sequence. VCF-style (leftmost placement, unchanged base first): chr17-31155997-AG-A. GRCh37 (hg19) VCF-style: chr17-29483015-AG-A.
Other names: c.77delG, p.Gly26Aspfs (NM_000267.4); c.77del, p.Gly26fs (NM_001128147.3); short protein forms G26fs.
Identifiers: ClinVar variation 1410768 (VCV001410768.6), dbSNP rs2143625360, ClinGen allele CA2573153519.

ClinVar aggregate classification (germline): Pathogenic (1 of 4 stars; one submission).

Conditions:
Neurofibromatosis, type 1 (NF1). Also called: Peripheral type neurofibromatosis; Neurofibromatosis, type I; VON RECKLINGHAUSEN DISEASE; NEUROFIBROMATOSIS, TYPE I, SOMATIC. Identifiers: Orphanet 636, MedGen C0027831, MONDO:0018975, OMIM 162200. Disease mechanism: loss of function.

Submission:

Labcorp Genetics (formerly Invitae), Labcorp
Classification: Pathogenic for Neurofibromatosis, type 1. Last evaluated: 2021-02-03. Review status: criteria provided, single submitter. Criteria: Invitae Variant Classification Sherloc (09022015). Collection method: clinical testing. Allele origin: germline.
Comment: For these reasons, this variant has been classified as Pathogenic. Algorithms developed to predict the effect of sequence changes on RNA splicing suggest that this variant may create or strengthen a splice site, but this prediction has not been confirmed by published transcriptional studies. This variant has not been reported in the literature in individuals with NF1-related conditions. This variant is not present in population databases (ExAC no frequency). This sequence change creates a premature translational stop signal (p.Gly26Aspfs*18) in the NF1 gene. It is expected to result in an absent or disrupted protein product. Loss-of-function variants in NF1 are known to be pathogenic (PMID: 10712197, 23913538).

Literature cited by the submitters: PubMed 10712197; PubMed 23913538.